The following is an entry in ClinVar:

NM_000090.4(COL3A1):c.257C>T (p.Ala86Val)

Gene: COL3A1 (collagen type III alpha 1 chain; plus strand). Cytogenetic location: 2q32.2.
Variant type: single nucleotide variant.
Coding change: c.257C>T on transcript NM_000090.4 (MANE Select); coding-DNA position 257, C replaced by T.
Protein change: p.Ala86Val; replaces alanine 86 with valine.
Molecular consequence: missense variant.
Genome position (GRCh38, 1-based): chr2:188,984,937, C>T. VCF-style: chr2-188984937-C-T. GRCh37 (hg19) VCF-style: chr2-189849663-C-T.
Other names: short protein forms A86V.
Identifiers: ClinVar variation 2733293 (VCV002733293.4), dbSNP rs1427943769, ClinGen allele CA349847392.
Genomic context (GRCh38, chr2:188,984,937, plus strand): 5'-TATGTGACGATCAAGAATTAGACTGCCCCAACCCAGAAATTCCATTTGGAGAATGTTGTG[C>T]AGTTTGCCCACAGCCTCCAACTGCTGTGAGTTTAAAGATAAACTGTACATCTTCAATATT-3'
Protein context (NP_000081.2, residues 76-96): NPEIPFGECC[Ala86Val]VCPQPPTAPT

ClinVar aggregate classification (germline): Uncertain significance. Review status: criteria provided, multiple submitters, no conflicts (2 of 4 stars). 2 submissions from 2 submitters: Uncertain significance (2). Last evaluated 2025-06-30.

Conditions:
Familial thoracic aortic aneurysm and aortic dissection (TAAD). Also called: Thoracic aortic aneurysms and dissections. Identifiers: Orphanet 91387, MedGen C4707243, MONDO:0019625.
Ehlers-Danlos syndrome, type 4 (EDSVASC). Also called: Ehlers-Danlos Syndrome Type IV; Ehlers-Danlos syndrome vascular type; Ehlers Danlos syndrome, ecchymotic type; Ehlers Danlos syndrome, arterial type; Ehlers Danlos syndrome, Sack-Barabas type. Identifiers: Orphanet 286, MedGen C0268338, MONDO:0017314, OMIM 130050.

Allele frequency attached by ClinVar (database versions not stated): gnomAD exomes below 0.00001; gnomAD 0.00001.
gnomAD v4.1: 2 of 1,612,838 alleles (0.00012%); highest among the groups gnomAD compares: Non-Finnish European, 0.00017%; no homozygotes.

Submissions (2):

Color Diagnostics, LLC DBA Color Health
Classification: Uncertain significance for Familial thoracic aortic aneurysm and aortic dissection. Last evaluated: 2025-06-30. Review status: criteria provided, single submitter. Criteria: ACMG Guidelines, 2015. Collection method: clinical testing. Allele origin: germline.
Comment: This missense variant replaces alanine with valine at codon 86 of the COL3A1 protein. Computational prediction suggests that this variant may not impact protein structure and function. To our knowledge, functional studies have not been reported for this variant. This variant has not been reported in individuals affected with COL3A1-related disorders in the literature. This variant has not been identified in the general population by the Genome Aggregation Database (gnomAD). The available evidence is insufficient to determine the role of this variant in disease conclusively. Therefore, this variant is classified as a Variant of Uncertain Significance.

Labcorp Genetics (formerly Invitae), Labcorp
Classification: Uncertain significance for Ehlers-Danlos syndrome, type 4. Last evaluated: 2023-12-06. Review status: criteria provided, single submitter. Criteria: Invitae Variant Classification Sherloc (09022015). Collection method: clinical testing. Allele origin: germline.
Comment: This sequence change replaces alanine, which is neutral and non-polar, with valine, which is neutral and non-polar, at codon 86 of the COL3A1 protein (p.Ala86Val). This variant is not present in population databases (gnomAD no frequency). This variant has not been reported in the literature in individuals affected with COL3A1-related conditions. Advanced modeling of protein sequence and biophysical properties (such as structural, functional, and spatial information, amino acid conservation, physicochemical variation, residue mobility, and thermodynamic stability) performed at Invitae indicates that this missense variant is not expected to disrupt COL3A1 protein function with a negative predictive value of 95%. In summary, the available evidence is currently insufficient to determine the role of this variant in disease. Therefore, it has been classified as a Variant of Uncertain Significance.